The following is an entry in ClinVar:

NM_002474.3(MYH11):c.3104T>C (p.Met1035Thr)

Gene: MYH11 (myosin heavy chain 11; minus strand). Cytogenetic location: 16p13.11.
Variant type: single nucleotide variant.
Coding change: c.3104T>C on transcript NM_002474.3 (MANE Select); coding-DNA position 3104, T replaced by C.
Protein change: p.Met1035Thr; replaces methionine 1035 with threonine.
Molecular consequence: missense variant.
Genome position (GRCh38, 1-based): chr16:15,738,582, A>G on the plus strand (T>C on the coding strand, the complement: MYH11 is on the minus strand). VCF-style: chr16-15738582-A-G. GRCh37 (hg19) VCF-style: chr16-15832439-A-G.
Other names: c.3125T>C, p.Met1042Thr (NM_001040113.2, NM_001040114.2); c.3104T>C, p.Met1035Thr (NM_022844.3); short protein forms M1042T, M1035T.
Identifiers: ClinVar variation 922441 (VCV000922441.24), dbSNP rs557463209, ClinGen allele CA7922095.

ClinVar aggregate classification (germline): Conflicting classifications of pathogenicity. Review status: criteria provided, conflicting classifications (1 of 4 stars). 7 submissions from 7 submitters: Uncertain significance (5); Likely benign (1). 1 of the submissions does not count toward it. Last evaluated 2026-04-24.

Conditions:
MYH11-related disorder. Also called: MYH11-related condition.
Familial thoracic aortic aneurysm and aortic dissection (TAAD). Also called: Thoracic aortic aneurysms and dissections. Identifiers: Orphanet 91387, MedGen C4707243, MONDO:0019625.
Aortic aneurysm, familial thoracic 4 (AAT4). Also called: AORTIC ANEURYSM/AORTIC DISSECTION AND PATENT DUCTUS ARTERIOSUS. Identifiers: MedGen C1851504, MONDO:0007568, OMIM 132900.

Allele frequency attached by ClinVar (database versions not stated): TOPMed 0.00001; gnomAD 0.00003 and 0.00004; gnomAD exomes 0.00003 and 0.00006; ExAC 0.00004; 1000 Genomes Project 30x 0.00016; 1000 Genomes Project 0.00020.

Submissions (7):

GeneDx
Classification: Uncertain significance. Last evaluated: 2026-04-24. Review status: criteria provided, single submitter. Criteria: GeneDx Variant Classification Process June 2021. Collection method: clinical testing. Allele origin: germline.
Comment: Has not been previously published as pathogenic or benign to our knowledge; In silico analysis suggests that this missense variant does not alter protein structure/function

CeGaT Center for Human Genetics Tuebingen
Classification: Uncertain significance. Last evaluated: 2025-08-01. Review status: criteria provided, single submitter. Criteria: CeGaT Center For Human Genetics Tuebingen Variant Classification Criteria Version 2. Collection method: clinical testing. Allele origin: germline. Affected: yes. Observed: 1 variant allele.
Comment: MYH11: PM2:Supporting

Labcorp Genetics (formerly Invitae), Labcorp
Classification: Uncertain significance for Aortic aneurysm, familial thoracic 4. Last evaluated: 2024-09-11. Review status: criteria provided, single submitter. Criteria: Invitae Variant Classification Sherloc (09022015). Collection method: clinical testing. Allele origin: germline.
Comment: This sequence change replaces methionine, which is neutral and non-polar, with threonine, which is neutral and polar, at codon 1042 of the MYH11 protein (p.Met1042Thr). This variant is present in population databases (rs557463209, gnomAD 0.04%). This variant has not been reported in the literature in individuals affected with MYH11-related conditions. ClinVar contains an entry for this variant (Variation ID: 922441). Invitae Evidence Modeling of protein sequence and biophysical properties (such as structural, functional, and spatial information, amino acid conservation, physicochemical variation, residue mobility, and thermodynamic stability) indicates that this missense variant is not expected to disrupt MYH11 protein function with a negative predictive value of 95%. In summary, the available evidence is currently insufficient to determine the role of this variant in disease. Therefore, it has been classified as a Variant of Uncertain Significance.

Color Diagnostics, LLC DBA Color Health
Classification: Uncertain significance for Familial thoracic aortic aneurysm and aortic dissection. Last evaluated: 2024-03-06. Review status: criteria provided, single submitter. Criteria: ACMG Guidelines, 2015. Collection method: clinical testing. Allele origin: germline.
Comment: This missense variant replaces methionine with threonine at codon 1042 of the MYH11 protein. Computational prediction is inconclusive regarding the impact of this variant on protein structure and function (internally defined REVEL score threshold 0.5 < inconclusive < 0.7, PMID: 27666373). To our knowledge, functional studies have not been reported for this variant. This variant has not been reported in individuals affected with cardiovascular disorders in the literature. This variant has been identified in 15/251216 chromosomes in the general population by the Genome Aggregation Database (gnomAD). The available evidence is insufficient to determine the role of this variant in disease conclusively. Therefore, this variant is classified as a Variant of Uncertain Significance.

Ambry Genetics
Classification: Uncertain significance for Familial thoracic aortic aneurysm and aortic dissection. Last evaluated: 2021-08-02. Review status: criteria provided, single submitter. Criteria: Ambry Variant Classification Scheme 2023. Collection method: clinical testing. Allele origin: germline.
Comment: The p.M1035T variant (also known as c.3104T>C), located in coding exon 23 of the MYH11 gene, results from a T to C substitution at nucleotide position 3104. The methionine at codon 1035 is replaced by threonine, an amino acid with similar properties. This amino acid position is conserved. In addition, the in silico prediction for this alteration is inconclusive. Since supporting evidence is limited at this time, the clinical significance of this alteration remains unclear.

Women's Health and Genetics/Laboratory Corporation of America, LabCorp
Classification: Likely benign. Last evaluated: 2019-03-04. Review status: criteria provided, single submitter. Criteria: LabCorp Variant Classification Summary - May 2015. Collection method: clinical testing. Allele origin: germline.
Comment: Variant summary: MYH11 c.3125T>C (p.Met1042Thr) results in a non-conservative amino acid change located in the Myosin tail domain of the encoded protein sequence. Three of five in-silico tools predict a benign effect of the variant on protein function. The variant allele was found at a frequency of 5.3e-05 in 246040 control chromosomes, predominantly at a frequency of 0.00042 within the South Asian subpopulation in the gnomAD database. The observed variant frequency within South Asian control individuals in the gnomAD database is approximately 336 fold of the estimated maximal expected allele frequency for a pathogenic variant in MYH11 causing Aortopathy phenotype (1.3e-06), strongly suggesting that the variant is a benign polymorphism found primarily in populations of South Asian origin. To our knowledge, no occurrence of c.3125T>C in individuals affected with Aortopathy and no experimental evidence demonstrating its impact on protein function have been reported. No clinical diagnostic laboratories have submitted clinical-significance assessments for this variant to ClinVar after 2014. Based on the evidence outlined above, the variant was classified as likely benign.

PreventionGenetics, part of Exact Sciences
Classification: Uncertain significance for MYH11-related condition. Last evaluated: 2024-02-16. Review status: no assertion criteria provided. Collection method: clinical testing. Allele origin: germline. Not counted in ClinVar's aggregate classification.
Comment: The MYH11 c.3125T>C variant is predicted to result in the amino acid substitution p.Met1042Thr. To our knowledge, this variant has not been reported in the literature. This variant is reported in 0.043% of alleles in individuals of South Asian descent in gnomAD. At this time, the clinical significance of this variant is uncertain due to the absence of conclusive functional and genetic evidence.